The following is an entry in ClinVar:

ClinVar aggregate classification (germline): Uncertain significance. Review status: criteria provided, multiple submitters, no conflicts (2 of 4 stars). 2 submissions from 2 submitters: Uncertain significance (2). Last evaluated 2020-08-31.

Conditions:
Hyperprolinemia type 2 (HYRPRO2). Also called: 1-PYRROLINE-5-CARBOXYLATE DEHYDROGENASE DEFICIENCY; Deficiency of pyrroline-5-carboxylate reductase; Delta-1-pyrroline-5-carboxylate dehydrogenase deficiency. Identifiers: Orphanet 79101, MedGen C2931835, MONDO:0009401, OMIM 239510.

Allele frequency attached by ClinVar (database versions not stated): gnomAD below 0.00001 and 0.00001; gnomAD exomes 0.00001 and 0.00003; ExAC 0.00003.
gnomAD v4.1: 21 of 1,613,076 alleles (0.0013%); highest among the groups gnomAD compares: South Asian, 0.021%; no homozygotes.

Submissions (2):

Foundation for Research in Genetics and Endocrinology, FRIGE's Institute of Human Genetics
Classification: Uncertain significance for Hyperprolinemia type 2. Last evaluated: 2020-08-31. Review status: criteria provided, single submitter. Criteria: ACMG Guidelines, 2015. Collection method: research. Allele origin: paternal. Inheritance: Autosomal recessive inheritance. Affected: yes. Observed: 1 compound heterozygote.
Comment: Two heterozygous variants, a 8 base pair duplication c.363_370dup (p.Arg124LeufsTer9) in exon 5 and a missense variant c.658G>C (p.Ala220P) in exon 7 of the ALDH4A1 gene were identified. The variant c.363_370dup was not observed in the 1000 genomes and gnomAD databases. The variant c.658G>C was not observed in the 1000Genomes but has a MAF of 0.003% in the gnomAD database. The in silico prediction of the variant c.363_370dup is damaging by MutationTaster2 and for the variant c.658G>C is damaging by LRT and MutationTaster2. The variant c.658G>C lies in the aldehyde dehydrogenase domain of the ALDH4A1 protein. The reference region are conserved across species. In summary, the variant c.363_370dup and c.658G>C meets our criteria to be classified as likely pathogenic and a variant of uncertain significance, respectively.

Genomic Research Center, Shahid Beheshti University of Medical Sciences
Classification: Uncertain significance. Last evaluated: 2019-04-27. Review status: criteria provided, single submitter. Criteria: ACMG Guidelines, 2015. Collection method: clinical testing. Allele origin: unknown. Affected: no.

NM_003748.4(ALDH4A1):c.658G>C (p.Ala220Pro)

Gene: ALDH4A1 (aldehyde dehydrogenase 4 family member A1; minus strand). Cytogenetic location: 1p36.13.
Variant type: single nucleotide variant.
Coding change: c.658G>C on transcript NM_003748.4 (MANE Select); coding-DNA position 658, G replaced by C.
Protein change: p.Ala220Pro; replaces alanine 220 with proline.
Molecular consequence: missense variant.
Genome position (GRCh38, 1-based): chr1:18,883,144, C>G on the plus strand (G>C on the coding strand, the complement: ALDH4A1 is on the minus strand). VCF-style: chr1-18883144-C-G. GRCh37 (hg19) VCF-style: chr1-19209638-C-G.
Other names: p.Ala220Pro; c.478G>C, p.Ala160Pro (NM_001161504.2); c.658G>C, p.Ala220Pro (NM_001319218.2, NM_170726.3); short protein forms A220P, A160P.
Identifiers: ClinVar variation 638413 (VCV000638413.6), dbSNP rs778113718, ClinGen allele CA647284.